The following is an entry in ClinVar:

ClinVar aggregate classification (germline): Uncertain significance (1 of 4 stars; one submission).

Conditions:
Severe combined immunodeficiency due to IKK2 deficiency. Also called: Immunodeficiency 15; IMMUNODEFICIENCY 15B. Identifiers: Orphanet 397787, MedGen C4747743, MONDO:0014267, OMIM 615592.

Allele frequency attached by ClinVar (database versions not stated): gnomAD exomes 0.00001; TOPMed 0.00001.
gnomAD v4.1: 9 of 1,602,290 alleles (0.00056%); highest among the groups gnomAD compares: Non-Finnish European, 0.00077%; no homozygotes.

Submission:

Labcorp Genetics (formerly Invitae), Labcorp
Classification: Uncertain significance for Severe combined immunodeficiency due to IKK2 deficiency. Last evaluated: 2023-03-14. Review status: criteria provided, single submitter. Criteria: Invitae Variant Classification Sherloc (09022015). Collection method: clinical testing. Allele origin: germline.
Comment: In summary, the available evidence is currently insufficient to determine the role of this variant in disease. Therefore, it has been classified as a Variant of Uncertain Significance. Variants that disrupt the consensus splice site are a relatively common cause of aberrant splicing (PMID: 17576681, 9536098). Algorithms developed to predict the effect of sequence changes on RNA splicing suggest that this variant is not likely to affect RNA splicing. This variant has not been reported in the literature in individuals affected with IKBKB-related conditions. This variant is present in population databases (no rsID available, gnomAD 0.0009%). This sequence change falls in intron 20 of the IKBKB gene. It does not directly change the encoded amino acid sequence of the IKBKB protein. It affects a nucleotide within the consensus splice site.

Literature cited by the submitters: PubMed 17576681; PubMed 9536098.

NM_001556.3(IKBKB):c.2115-3T>C

Gene: IKBKB (inhibitor of nuclear factor kappa B kinase subunit beta; plus strand). Cytogenetic location: 8p11.21.
Variant type: single nucleotide variant.
Coding change: c.2115-3T>C on transcript NM_001556.3 (MANE Select); 3 bases into the intron before coding-DNA position 2115, T replaced by C.
Molecular consequence: intron variant.
Genome position (GRCh38, 1-based): chr8:42,329,121, T>C. VCF-style: chr8-42329121-T-C. GRCh37 (hg19) VCF-style: chr8-42186639-T-C.
Other names: c.1938-3T>C (NM_001242778.2); c.1923-3T>C (NM_001190720.3).
Identifiers: ClinVar variation 3018387 (VCV003018387.3), dbSNP rs943205824, ClinGen allele CA175978665.